The following is an entry in ClinVar:

ClinVar aggregate classification (germline): Uncertain significance (1 of 4 stars; one submission).

Conditions:
Congenital disorder of deglycosylation (CDDG). Identifiers: MedGen C3808991, MONDO:0031376.

Allele frequency attached by ClinVar (database versions not stated): gnomAD exomes below 0.00001 and 0.00001; TOPMed 0.00001.
gnomAD v4.1: 22 of 1,613,658 alleles (0.0014%); highest among the groups gnomAD compares: Non-Finnish European, 0.0017%; no homozygotes.

Submission:

Labcorp Genetics (formerly Invitae), Labcorp
Classification: Uncertain significance for Congenital disorder of deglycosylation. Last evaluated: 2021-09-01. Review status: criteria provided, single submitter. Criteria: Invitae Variant Classification Sherloc (09022015). Collection method: clinical testing. Allele origin: germline.
Comment: This sequence change replaces serine with leucine at codon 559 of the NGLY1 protein (p.Ser559Leu). The serine residue is moderately conserved and there is a large physicochemical difference between serine and leucine. This variant is not present in population databases (ExAC no frequency). This variant has not been reported in the literature in individuals affected with NGLY1-related conditions. Algorithms developed to predict the effect of missense changes on protein structure and function (SIFT, PolyPhen-2, Align-GVGD) all suggest that this variant is likely to be tolerated. In summary, the available evidence is currently insufficient to determine the role of this variant in disease. Therefore, it has been classified as a Variant of Uncertain Significance.

NM_018297.4(NGLY1):c.1676C>T (p.Ser559Leu)

Gene: NGLY1 (N-glycanase 1; minus strand). Cytogenetic location: 3p24.2.
Variant type: single nucleotide variant.
Coding change: c.1676C>T on transcript NM_018297.4 (MANE Select); coding-DNA position 1676, C replaced by T.
Protein change: p.Ser559Leu; replaces serine 559 with leucine.
Molecular consequence: missense variant. On other transcripts: intron variant (1).
Genome position (GRCh38, 1-based): chr3:25,720,127, G>A on the plus strand (C>T on the coding strand, the complement: NGLY1 is on the minus strand). VCF-style: chr3-25720127-G-A. GRCh37 (hg19) VCF-style: chr3-25761618-G-A.
Other names: c.1622C>T, p.Ser541Leu (NM_001145293.2); c.1550C>T, p.Ser517Leu (NM_001145294.2); c.1612-492C>T (NM_001145295.2); short protein forms S517L, S541L, S559L.
Identifiers: ClinVar variation 949662 (VCV000949662.4), dbSNP rs1354238828, ClinGen allele CA351894236.